The following is an entry in ClinVar:

ClinVar aggregate classification (germline): Uncertain significance (1 of 4 stars; one submission).

Conditions:
Arrhythmogenic cardiomyopathy with wooly hair and keratoderma. Also called: PALMOPLANTAR KERATODERMA WITH LEFT VENTRICULAR CARDIOMYOPATHY AND WOOLLY HAIR; Carvajal syndrome; Dilated cardiomyopathy with woolly hair and keratoderma; Arrhythmogenic cardiomyopathy with woolly hair and keratoderma. Identifiers: Orphanet 65282, MedGen C1854063, MONDO:0011581, OMIM 605676.

Allele frequency attached by ClinVar (database versions not stated): gnomAD exomes below 0.00001.
gnomAD v4.1: 2 of 1,613,932 alleles (0.00012%); highest among the groups gnomAD compares: Non-Finnish European, 0.00017%; no homozygotes.

Submission:

All of Us Research Program, National Institutes of Health
Classification: Uncertain significance for Arrhythmogenic cardiomyopathy with wooly hair and keratoderma. Last evaluated: 2024-04-16. Review status: criteria provided, single submitter. Criteria: ACMG Guidelines, 2015. Collection method: clinical testing. Allele origin: germline. Inheritance: Autosomal dominant inheritance. Observed: 3 variant alleles, 3 heterozygotes.
Comment: This missense variant replaces glycine with aspartic acid at codon 171 of the DSP protein. Computational prediction suggests that this variant may not impact protein structure and function (internally defined REVEL score threshold <= 0.5, PMID: 27666373). To our knowledge, functional studies have not been reported for this variant. This variant has not been reported in individuals affected with DSP-related disorders in the literature. This variant has not been identified in the general population by the Genome Aggregation Database (gnomAD). The available evidence is insufficient to determine the role of this variant in disease conclusively. Therefore, this variant is classified as a Variant of Uncertain Significance.

This study involves interpretation of variants in research participants for the purpose of population health screening. Participant phenotype was not available at the time of variant classification. Additional details can be found in publication PMID: 35346344, PMCID: PMC8962531

NM_004415.4(DSP):c.512G>A (p.Gly171Asp)

Gene: DSP (desmoplakin; plus strand). Cytogenetic location: 6p24.3.
Variant type: single nucleotide variant.
Coding change: c.512G>A on transcript NM_004415.4 (MANE Select); coding-DNA position 512, G replaced by A.
Protein change: p.Gly171Asp; replaces glycine 171 with aspartic acid.
Molecular consequence: missense variant.
Genome position (GRCh38, 1-based): chr6:7,559,315, G>A. VCF-style: chr6-7559315-G-A. GRCh37 (hg19) VCF-style: chr6-7559548-G-A.
Other names: c.512G>A, p.Gly171Asp (NM_001008844.3, NM_001319034.2, NM_001406591.1); short protein forms G171D.
Identifiers: ClinVar variation 3071322 (VCV003071322.2), dbSNP rs1019234013, ClinGen allele CA133951181.
Genomic context (GRCh38, chr6:7,559,315, plus strand): 5'-CCCTTTATAAAGCCATCAGTGTCCCTCGAGTCCGCAGGGCCAGCTCCAAGGGTGGTGGAG[G>A]CTACACTTGTCAGAGTGGCTCTGGCTGGGATGAGTTCACCAAACATGTCACCAGTGAATG-3'
Protein context (NP_004406.2, residues 161-181): VRRASSKGGG[Gly171Asp]YTCQSGSGWD